The following is an entry in ClinVar:

NM_144672.4(OTOA):c.2133C>G (p.His711Gln)

Gene: OTOA (otoancorin). Cytogenetic location: 16p12.2.
Variant type: single nucleotide variant.
Coding change: c.2133C>G on transcript NM_144672.4 (MANE Select); coding-DNA position 2133, C replaced by G.
Protein change: p.His711Gln; replaces histidine 711 with glutamine.
Molecular consequence: missense variant.
Genome position (GRCh38, 1-based): chr16:21,728,357, C>G. VCF-style: chr16-21728357-C-G. GRCh37 (hg19) VCF-style: chr16-21739678-C-G.
Other names: c.1896C>G, p.His632Gln (NM_001161683.2); c.1161C>G, p.His387Gln (NM_170664.3); short protein forms H387Q, H632Q, H711Q.
Identifiers: ClinVar variation 4536352 (VCV004536352.1).

ClinVar aggregate classification (germline): Uncertain significance (1 of 4 stars; one submission).

gnomAD v4.1: 3 of 1,614,152 alleles (0.00019%); highest among the groups gnomAD compares: Admixed American, 0.0033%; no homozygotes.

Submission:

GeneDx
Classification: Uncertain significance. Last evaluated: 2025-06-06. Review status: criteria provided, single submitter. Criteria: GeneDx Variant Classification Process June 2021. Collection method: clinical testing. Allele origin: germline. Affected: yes.
Comment: Not observed at significant frequency in large population cohorts (gnomAD); In silico analysis suggests that this missense variant does not alter protein structure/function; Has not been previously published as pathogenic or benign to our knowledge